The following is an entry in ClinVar:

NM_001286577.2(C2CD3):c.1732A>T (p.Thr578Ser)

Gene: C2CD3 (C2 domain containing 3 centriole elongation regulator; minus strand). Cytogenetic location: 11q13.4.
Variant type: single nucleotide variant.
Coding change: c.1732A>T on transcript NM_001286577.2 (MANE Select); coding-DNA position 1732, A replaced by T.
Protein change: p.Thr578Ser; replaces threonine 578 with serine.
Molecular consequence: missense variant.
Genome position (GRCh38, 1-based): chr11:74,113,891, T>A on the plus strand (A>T on the coding strand, the complement: C2CD3 is on the minus strand). VCF-style: chr11-74113891-T-A. GRCh37 (hg19) VCF-style: chr11-73824936-T-A.
Other names: c.1732A>T, p.Thr578Ser (NM_015531.6); c.1732A>T (NM_015531.4); short protein forms T578S.
Identifiers: ClinVar variation 2020425 (VCV002020425.2), dbSNP rs200249364, ClinGen allele CA6182860.

ClinVar aggregate classification (germline): Uncertain significance. Review status: criteria provided, multiple submitters, no conflicts (2 of 4 stars). 3 submissions from 3 submitters: Uncertain significance (3). Last evaluated 2023-11-20.

Conditions:
Inborn genetic diseases. Identifiers: MedGen C0950123, MeSH D030342.

Allele frequency attached by ClinVar (database versions not stated): TOPMed 0.00017; ESP Exome Variant Server 0.00031.
gnomAD v4.1: 649 of 1,554,422 alleles (0.042%); highest among the groups gnomAD compares: Non-Finnish European, 0.055%; no homozygotes.

Submissions (3):

Ambry Genetics
Classification: Uncertain significance for Inborn genetic diseases. Last evaluated: 2023-11-20. Review status: criteria provided, single submitter. Criteria: Ambry Variant Classification Scheme 2023. Collection method: clinical testing. Allele origin: germline.

Labcorp Genetics (formerly Invitae), Labcorp
Classification: Uncertain significance. Last evaluated: 2022-09-12. Review status: criteria provided, single submitter. Criteria: Invitae Variant Classification Sherloc (09022015). Collection method: clinical testing. Allele origin: germline.
Comment: This sequence change replaces threonine, which is neutral and polar, with serine, which is neutral and polar, at codon 578 of the C2CD3 protein (p.Thr578Ser). The frequency data for this variant in the population databases is considered unreliable, as metrics indicate poor data quality at this position in the gnomAD database. This variant has not been reported in the literature in individuals affected with C2CD3-related conditions. Algorithms developed to predict the effect of missense changes on protein structure and function are either unavailable or do not agree on the potential impact of this missense change (SIFT: "Deleterious"; PolyPhen-2: "Probably Damaging"; Align-GVGD: "Class C0"). In summary, the available evidence is currently insufficient to determine the role of this variant in disease. Therefore, it has been classified as a Variant of Uncertain Significance.

GeneDx
Classification: Uncertain significance. Last evaluated: 2022-07-19. Review status: criteria provided, single submitter. Criteria: GeneDx Variant Classification Process June 2021. Collection method: clinical testing. Allele origin: germline. Affected: yes.
Comment: In silico analysis supports that this missense variant has a deleterious effect on protein structure/function; Has not been previously published as pathogenic or benign to our knowledge